The following is an entry in ClinVar:

NM_001110556.2(FLNA):c.3979+6T>C

Gene: FLNA (filamin A; minus strand). Cytogenetic location: Xq28.
Variant type: single nucleotide variant.
Coding change: c.3979+6T>C on transcript NM_001110556.2 (MANE Select); 6 bases into the intron after coding-DNA position 3979, T replaced by C.
Molecular consequence: intron variant.
Genome position (GRCh38, 1-based): chrX:154,359,726, A>G on the plus strand (T>C on the coding strand, the complement: FLNA is on the minus strand). VCF-style: chrX-154359726-A-G. GRCh37 (hg19) VCF-style: chrX-153588094-A-G.
Other names: c.3979+6T>C (NM_001456.4).
Identifiers: ClinVar variation 1468450 (VCV001468450.6), dbSNP rs2148111652, ClinGen allele CA2573159421.

ClinVar aggregate classification (germline): Uncertain significance (1 of 4 stars; one submission).

Conditions:
Oto-palato-digital syndrome, type II (OPD2). Also called: FACIOPALATOOSSEOUS SYNDROME; OPD II SYNDROME; Otopalatodigital Syndrome, Type II; Otopalatodigital Syndrome Type 2 (FLNA-OPD2). Identifiers: Orphanet 669, Orphanet 90652, MedGen C1844696, MONDO:0010571, OMIM 304120.
Heterotopia, periventricular, X-linked dominant (PVNH1). Also called: PERIVENTRICULAR NODULAR HETEROTOPIA 4; HETEROTOPIA, PERIVENTRICULAR, 1; PERIVENTRICULAR NODULAR HETEROTOPIA 1; X-linked periventricular heterotopia. Identifiers: Orphanet 2149, Orphanet 82004, MedGen C1848213, MONDO:0010233, OMIM 300049.
Melnick-Needles syndrome (MNS). Also called: MELNICK-NEEDLES OSTEODYSPLASTY; OSTEODYSPLASTY OF MELNICK AND NEEDLES; Melnick-Needles Syndrome (FLNA-MNS). Identifiers: Orphanet 2484, MedGen C0025237, MONDO:0010650, OMIM 309350.
Frontometaphyseal dysplasia (FMD1). Identifiers: Orphanet 1826, MedGen C0265293, MONDO:0015942.

Submission:

Labcorp Genetics (formerly Invitae), Labcorp
Classification: Uncertain significance for Oto-palato-digital syndrome, type II; Heterotopia, periventricular, X-linked dominant; Frontometaphyseal dysplasia; Melnick-Needles syndrome. Last evaluated: 2021-10-03. Review status: criteria provided, single submitter. Criteria: Invitae Variant Classification Sherloc (09022015). Collection method: clinical testing. Allele origin: germline.
Comment: This variant is not present in population databases (ExAC no frequency). In summary, the available evidence is currently insufficient to determine the role of this variant in disease. Therefore, it has been classified as a Variant of Uncertain Significance. Variants that disrupt the consensus splice site are a relatively common cause of aberrant splicing (PMID: 17576681, 9536098). Algorithms developed to predict the effect of sequence changes on RNA splicing suggest that this variant is not likely to affect RNA splicing. This variant has not been reported in the literature in individuals affected with FLNA-related conditions. This sequence change falls in intron 23 of the FLNA gene. It does not directly change the encoded amino acid sequence of the FLNA protein. It affects a nucleotide within the consensus splice site of the intron.

Literature cited by the submitters: PubMed 17576681; PubMed 9536098.